The following is an entry in ClinVar:

ClinVar aggregate classification (germline): Benign. Review status: criteria provided, multiple submitters, no conflicts (2 of 4 stars). 2 submissions from 2 submitters: Benign (2). Last evaluated 2024-07-31.

Allele frequency attached by ClinVar (database versions not stated): 1000 Genomes Project 0.38239; 1000 Genomes Project 30x 0.38242; TOPMed 0.43023; gnomAD 0.43320 and 0.43491; gnomAD exomes 0.47771.
gnomAD v4.1: 249,051 of 534,666 alleles (47%); highest among the groups gnomAD compares: Non-Finnish European, 52%; 60,374 homozygotes.

Submissions (2):

Unidad de Genómica Garrahan, Hospital de Pediatría Garrahan
Classification: Benign. Last evaluated: 2024-07-31. Review status: criteria provided, single submitter. Criteria: ACMG Guidelines, 2015. Collection method: clinical testing. Allele origin: germline. Affected: no. Observed: 50 variant alleles.
Comment: This variant is classified as Benign based on local population frequency. This variant was detected in 54% of patients studied in a panel designed for Epileptic and Developmental Encephalopathy, Progressive Myoclonus Epilepsy and Abnormal Movements and Neurodegeneration with brain iron accumulation. Number of patients: 50. Only high quality variants are reported.

GeneDx
Classification: Benign. Last evaluated: 2021-03-15. Review status: criteria provided, single submitter. Criteria: GeneDx Variant Classification Process June 2021. Collection method: clinical testing. Allele origin: germline. Affected: yes.

NM_001082971.2(DDC):c.315+225C>G

Genes: DDC (dopa decarboxylase; minus strand), DDC-AS1 (DDC antisense RNA 1; plus strand). Cytogenetic location: 7p12.1.
Variant type: single nucleotide variant.
Coding change: c.315+225C>G on transcript NM_001082971.2 (MANE Select); 225 bases into the intron after coding-DNA position 315, C replaced by G.
Molecular consequence: intron variant.
Genome position (GRCh38, 1-based): chr7:50,539,690, G>C on the plus strand (C>G on the coding strand, the complement: DDC is on the minus strand). VCF-style: chr7-50539690-G-C. GRCh37 (hg19) VCF-style: chr7-50607388-G-C.
Other names: c.201+4195C>G (NM_001242888.2); c.202-1711C>G (NM_001242886.2); c.315+225C>G (NM_001242889.2, NM_001242887.2, NM_000790.4 and 1 more transcripts).
Identifiers: ClinVar variation 1245436 (VCV001245436.4), dbSNP rs998850, ClinGen allele CA12466985.